The following is an entry in ClinVar:

ClinVar aggregate classification (germline): Uncertain significance (1 of 4 stars; one submission).

Conditions:
Autosomal recessive polycystic kidney disease (ARPKD). Also called: AR polycystic kidney disease. Identifiers: Orphanet 731, Orphanet 8378, MedGen C0085548, MeSH D017044, MONDO:0009889.

Allele frequency attached by ClinVar (database versions not stated): gnomAD exomes below 0.00001.
gnomAD v4.1: 1 of 1,613,660 alleles (0.000062%); highest among the groups gnomAD compares: Non-Finnish European, 0.000085%; no homozygotes.

Submission:

Labcorp Genetics (formerly Invitae), Labcorp
Classification: Uncertain significance for Autosomal recessive polycystic kidney disease. Last evaluated: 2022-02-05. Review status: criteria provided, single submitter. Criteria: Invitae Variant Classification Sherloc (09022015). Collection method: clinical testing. Allele origin: germline.
Comment: This sequence change replaces leucine, which is neutral and non-polar, with proline, which is neutral and non-polar, at codon 3364 of the PKHD1 protein (p.Leu3364Pro). This variant is not present in population databases (gnomAD no frequency). This variant has not been reported in the literature in individuals affected with PKHD1-related conditions. Advanced modeling of protein sequence and biophysical properties (such as structural, functional, and spatial information, amino acid conservation, physicochemical variation, residue mobility, and thermodynamic stability) performed at Invitae indicates that this missense variant is expected to disrupt PKHD1 protein function. In summary, the available evidence is currently insufficient to determine the role of this variant in disease. Therefore, it has been classified as a Variant of Uncertain Significance.

NM_138694.4(PKHD1):c.10091T>C (p.Leu3364Pro)

Gene: PKHD1 (PKHD1 ciliary IPT domain containing fibrocystin/polyductin; minus strand). Cytogenetic location: 6p12.3.
Variant type: single nucleotide variant.
Coding change: c.10091T>C on transcript NM_138694.4 (MANE Select); coding-DNA position 10091, T replaced by C.
Protein change: p.Leu3364Pro; replaces leucine 3364 with proline.
Molecular consequence: missense variant.
Genome position (GRCh38, 1-based): chr6:51,744,450, A>G on the plus strand (T>C on the coding strand, the complement: PKHD1 is on the minus strand). VCF-style: chr6-51744450-A-G. GRCh37 (hg19) VCF-style: chr6-51609248-A-G.
Other names: c.10091T>C, p.Leu3364Pro (NM_170724.3); short protein forms L3364P.
Identifiers: ClinVar variation 2093642 (VCV002093642.1), dbSNP rs2533729690, ClinGen allele CA364418245.